The following is an entry in ClinVar:

NM_000443.4(ABCB4):c.927T>C (p.Tyr309=)

Gene: ABCB4 (ATP binding cassette subfamily B member 4; minus strand). Cytogenetic location: 7q21.12.
Variant type: single nucleotide variant.
Coding change: c.927T>C on transcript NM_000443.4 (MANE Select); coding-DNA position 927, T replaced by C.
Protein change: p.Tyr309=; no amino-acid change (tyrosine 309 retained).
Molecular consequence: synonymous variant.
Genome position (GRCh38, 1-based): chr7:87,447,112, A>G on the plus strand (T>C on the coding strand, the complement: ABCB4 is on the minus strand). VCF-style: chr7-87447112-A-G. GRCh37 (hg19) VCF-style: chr7-87076428-A-G.
Other names: c.927T>C, p.Tyr309= (NM_018849.3, NM_018850.3).
Identifiers: ClinVar variation 360802 (VCV000360802.9), dbSNP rs199504845, ClinGen allele CA4327420.
Genomic context (GRCh38, chr7:87,447,112, plus strand): 5'-AGTATATTCTTTTGATATGACTAGAGTGGATCCATACCAGAAGGCCAGTGCATATGATGC[A>G]TATATTAACAGGAAGGCAATACCCATGGAAATGTTTGCTGAAATAGCTTTTTTAATTCCA-3'
Protein context (NP_000434.1, residues 299-319): ISMGIAFLLI[Tyr309=]ASYALAFWYG

ClinVar aggregate classification (germline): Conflicting classifications of pathogenicity. Review status: criteria provided, conflicting classifications (1 of 4 stars). 4 submissions from 3 submitters: Uncertain significance (2); Likely benign (2). Last evaluated 2026-04-14.

Conditions:
Familial intrahepatic cholestasis. Identifiers: Orphanet 284385, MedGen CN296401, MONDO:0017290.
Progressive familial intrahepatic cholestasis type 3. Also called: MDR3 DEFICIENCY; Low Gamma-GT Familial Intrahepatic Cholestasis. Identifiers: Orphanet 79305, MedGen C1865643, MONDO:0011214, OMIM 602347.
Cholestasis, intrahepatic, of pregnancy, 3. Identifiers: Orphanet 69665, MedGen C3554241, MONDO:0013995, OMIM 614972.

Allele frequency attached by ClinVar (database versions not stated): gnomAD exomes 0.00011 and 0.00016; ESP Exome Variant Server 0.00015; gnomAD 0.00015 and 0.00016; ExAC 0.00017; TOPMed 0.00020.
gnomAD v4.1: 260 of 1,613,814 alleles (0.016%); highest among the groups gnomAD compares: Admixed American, 0.023%; 1 homozygote.

Submissions (4):

Genomenon, Inc
Classification: Likely benign for Familial intrahepatic cholestasis. Last evaluated: 2026-04-14. Review status: criteria provided, single submitter. Criteria: Genomenon Sequence Variant Interpretation Standards - Updated. Collection method: curation. Allele origin: germline. Affected: no.
Comment: ABCB4 c.927T>C is a synonymous variant that retains Tyrosine at residue 309. This variant has been reported in the published literature (PMID:28733223;16763017;14999697). It is absent or not present at a significant frequency in gnomAD. This synonymous variant is not predicted to impact splicing. In conclusion, we classify ABCB4 p.Tyr309= (c.927T>C) as a likely benign variant.

Labcorp Genetics (formerly Invitae), Labcorp
Classification: Likely benign. Last evaluated: 2026-01-14. Review status: criteria provided, single submitter. Criteria: Invitae Variant Classification Sherloc (09022015). Collection method: clinical testing. Allele origin: germline.

Illumina Laboratory Services, Illumina
Classification: Uncertain significance for Cholestasis, intrahepatic, of pregnancy, 3. Last evaluated: 2018-01-13. Review status: criteria provided, single submitter. Criteria: ICSL Variant Classification Criteria 13 December 2019. Collection method: clinical testing. Allele origin: germline.

Illumina Laboratory Services, Illumina
Classification: Uncertain significance for Progressive familial intrahepatic cholestasis type 3. Last evaluated: 2018-01-13. Review status: criteria provided, single submitter. Criteria: ICSL Variant Classification Criteria 13 December 2019. Collection method: clinical testing. Allele origin: germline.

Literature cited by the submitters: PubMed 28733223 (cited by Genomenon, Inc); PubMed 16763017 (cited by Genomenon, Inc); PubMed 14999697 (cited by Genomenon, Inc).